The following is an entry in ClinVar:

ClinVar aggregate classification (germline): Pathogenic (1 of 4 stars; one submission).

Submission:

Labcorp Genetics (formerly Invitae), Labcorp
Classification: Pathogenic. Last evaluated: 2021-08-09. Review status: criteria provided, single submitter. Criteria: Invitae Variant Classification Sherloc (09022015). Collection method: clinical testing. Allele origin: germline.
Comment: This sequence change creates a premature translational stop signal (p.Glu298Lysfs*2) in the HSD3B2 gene. While this is not anticipated to result in nonsense mediated decay, it is expected to disrupt the last 75 amino acid(s) of the HSD3B2 protein. This variant is not present in population databases (ExAC no frequency). This variant has not been reported in the literature in individuals affected with HSD3B2-related conditions. This variant disrupts a region of the HSD3B2 protein in which other variant(s) (p.Trp345*) have been determined to be pathogenic (Invitae). This suggests that this is a clinically significant region of the protein, and that variants that disrupt it are likely to be disease-causing. For these reasons, this variant has been classified as Pathogenic.

NM_000198.4(HSD3B2):c.892del (p.Glu298fs)

Gene: HSD3B2 (hydroxy-delta-5-steroid dehydrogenase, 3 beta- and steroid delta-isomerase 2; plus strand). Cytogenetic location: 1p12.
Variant type: Deletion.
Coding change: c.892del on transcript NM_000198.4 (MANE Select); coding-DNA position 892, one base deleted (G; older notation c.892delG).
Protein change: p.Glu298fs; shifts the reading frame from glutamic acid 298.
Molecular consequence: frameshift variant.
Genome position (GRCh38, 1-based): chr1:119,422,393, G deleted; the last of 2 consecutive G bases (chr1:119,422,392-119,422,393); deleting either gives the same sequence. VCF-style (leftmost placement, unchanged base first): chr1-119422391-TG-T. GRCh37 (hg19) VCF-style: chr1-119965014-TG-T.
Other names: c.892del, p.Glu298fs (NM_001166120.2); short protein forms E298fs.
Identifiers: ClinVar variation 1389517 (VCV001389517.6), dbSNP rs2101350566, ClinGen allele CA2573131029.
Genomic context (GRCh38, chr1:119,422,391, plus strand): 5'-TCCGCCTTGATTCCAGATGGAGCCTTCCTTTAACCCTGATGTACTGGATTGGCTTCCTGC[TG>T]GAAGTAGTGAGCTTCCTACTCAGCCCAATTTACTCCTATCAACCCCCCTTCAACCGCCAC-3'